The following is an entry in ClinVar:

ClinVar aggregate classification (germline): Uncertain significance (1 of 4 stars; one submission).

Submission:

Ambry Genetics
Classification: Uncertain significance. Last evaluated: 2023-10-20. Review status: criteria provided, single submitter. Criteria: Ambry Variant Classification Scheme 2023. Collection method: clinical testing. Allele origin: germline.
Comment: The p.H40D variant (also known as c.118C>G), located in coding exon 1 of the IDH1 gene, results from a C to G substitution at nucleotide position 118. The histidine at codon 40 is replaced by aspartic acid, an amino acid with similar properties. This amino acid position is conserved. In addition, this alteration is predicted to be deleterious by in silico analysis. Since supporting evidence is limited at this time, the clinical significance of this alteration remains unclear.

NM_005896.4(IDH1):c.118C>G (p.His40Asp)

Gene: IDH1 (isocitrate dehydrogenase (NADP(+)) 1; minus strand). Cytogenetic location: 2q34.
Variant type: single nucleotide variant.
Coding change: c.118C>G on transcript NM_005896.4 (MANE Select); coding-DNA position 118, C replaced by G.
Protein change: p.His40Asp; replaces histidine 40 with aspartic acid.
Molecular consequence: missense variant.
Genome position (GRCh38, 1-based): chr2:208,251,434, G>C on the plus strand (C>G on the coding strand, the complement: IDH1 is on the minus strand). VCF-style: chr2-208251434-G-C. GRCh37 (hg19) VCF-style: chr2-209116158-G-C.
Other names: c.118C>G, p.His40Asp (NM_001282386.1, NM_001282387.1); short protein forms H40D.
Identifiers: ClinVar variation 3225128 (VCV003225128.1), dbSNP rs2124867977, ClinGen allele CA350102827.